The following is an entry in ClinVar:

ClinVar aggregate classification (germline): Uncertain significance (1 of 4 stars; one submission).

Allele frequency attached by ClinVar (database versions not stated): gnomAD exomes below 0.00001.
gnomAD v4.1: 1 of 1,440,384 alleles (0.000069%); highest among the groups gnomAD compares: Non-Finnish European, 0.000091%; no homozygotes.

Submission:

Labcorp Genetics (formerly Invitae), Labcorp
Classification: Uncertain significance. Last evaluated: 2020-07-15. Review status: criteria provided, single submitter. Criteria: Invitae Variant Classification Sherloc (09022015). Collection method: clinical testing. Allele origin: germline.
Comment: Algorithms developed to predict the effect of missense changes on protein structure and function are either unavailable or do not agree on the potential impact of this missense change (SIFT: "Deleterious"; PolyPhen-2: "Benign"; Align-GVGD: "Class C0"). In summary, the available evidence is currently insufficient to determine the role of this variant in disease. Therefore, it has been classified as a Variant of Uncertain Significance. This variant has not been reported in the literature in individuals with HMX1-related conditions. The frequency data for this variant in the population databases is considered unreliable, as metrics indicate insufficient coverage at this position in the ExAC database. This sequence change replaces proline with leucine at codon 155 of the HMX1 protein (p.Pro155Leu). The proline residue is highly conserved and there is a moderate physicochemical difference between proline and leucine.

NM_018942.3(HMX1):c.464C>T (p.Pro155Leu)

Gene: HMX1 (H6 family homeobox 1; minus strand). Cytogenetic location: 4p16.1.
Variant type: single nucleotide variant.
Coding change: c.464C>T on transcript NM_018942.3 (MANE Select); coding-DNA position 464, C replaced by T.
Protein change: p.Pro155Leu; replaces proline 155 with leucine.
Molecular consequence: missense variant. On other transcripts: intron variant (1).
Genome position (GRCh38, 1-based): chr4:8,868,276, G>A on the plus strand (C>T on the coding strand, the complement: HMX1 is on the minus strand). VCF-style: chr4-8868276-G-A. GRCh37 (hg19) VCF-style: chr4-8870002-G-A.
Other names: c.394+2945C>T (NM_001306142.2); short protein forms P155L.
Identifiers: ClinVar variation 1023261 (VCV001023261.8), dbSNP rs1471177398, ClinGen allele CA356278552.